The following is an entry in ClinVar:

NM_001127898.4(CLCN5):c.1933G>T (p.Glu645Ter)

Genes: CLCN5 (chloride voltage-gated channel 5; plus strand), LOC126863258 (BRD4-independent group 4 enhancer GRCh37_chrX:49854497-49855696; plus strand). Cytogenetic location: Xp11.23.
Variant type: single nucleotide variant.
Coding change: c.1933G>T on transcript NM_001127898.4 (MANE Select); coding-DNA position 1933, G replaced by T.
Protein change: p.Glu645Ter; replaces glutamic acid 645 with a stop codon.
Molecular consequence: nonsense.
Genome position (GRCh38, 1-based): chrX:50,090,304, G>T. VCF-style: chrX-50090304-G-T. GRCh37 (hg19) VCF-style: chrX-49854961-G-T.
Other names: c.1723G>T, p.Glu575Ter (NM_000084.5); c.1933G>T, p.Glu645Ter (NM_001127899.4); c.1783G>T, p.Glu595Ter (NM_001282163.2); short protein forms E575*, E595*, E645*.
Identifiers: ClinVar variation 2635308 (VCV002635308.1), dbSNP rs2519445104, ClinGen allele CA413189504.

ClinVar aggregate classification (germline): Likely pathogenic (1 of 4 stars; one submission).

Conditions:
CLCN5-related disorder. Also called: CLCN5-related condition.

Submission:

PreventionGenetics, part of Exact Sciences
Classification: Likely pathogenic for CLCN5-related condition. Last evaluated: 2022-11-07. Review status: criteria provided, single submitter. Criteria: ACMG Guidelines, 2015. Collection method: clinical testing. Allele origin: germline.
Comment: The CLCN5 c.1723G>T variant is predicted to result in premature protein termination (p.Glu575*). To our knowledge, this variant has not been reported in the literature or in a large population database, indicating this variant is rare. Nonsense variants in CLCN5 are expected to be pathogenic. This variant is interpreted as likely pathogenic.